The following is an entry in ClinVar:

NM_000059.4(BRCA2):c.7956_7959dup (p.Leu2654fs)

Gene: BRCA2 (BRCA2 DNA repair associated; plus strand). Cytogenetic location: 13q13.1.
Variant type: Duplication.
Coding change: c.7956_7959dup on transcript NM_000059.4 (MANE Select); coding-DNA positions 7956 to 7959, 4 bases duplicated (GCTT; older notation c.7956_7959dupGCTT).
Protein change: p.Leu2654fs; shifts the reading frame from leucine 2654.
Molecular consequence: frameshift variant.
Genome position (GRCh38, 1-based): chr13:32,362,673-32,362,676, GCTT duplicated; duplicating any 4 consecutive bases within chr13:32,362,672-32,362,676 gives the same sequence; the c. name uses the placement nearest the transcript's 3' end. VCF-style (leftmost placement, unchanged base first): chr13-32362671-G-GTGCT. GRCh37 (hg19) VCF-style: chr13-32936808-G-GTGCT.
Other names: short protein forms L2654fs.
Identifiers: ClinVar variation 1072422 (VCV001072422.7), dbSNP rs2137577850, ClinGen allele CA2499222315.
Genomic context (GRCh38, chr13:32,362,671, plus strand): 5'-GCAGCTATGGAATGTGCCTTTCCTAAGGAATTTGCTAATAGATGCCTAAGCCCAGAAAGG[G>GTGCT]TGCTTCTTCAACTAAAATACAGGCAAGTTTAAAGCATTACATTACGTAATCATATACGGC-3'

ClinVar aggregate classification (germline): Pathogenic (1 of 4 stars; one submission).

Conditions:
Hereditary breast ovarian cancer syndrome. Also called: Hereditary breast and ovarian cancer syndrome (HBOC); Hereditary breast and/or ovarian cancer syndrome; Hereditary breast and ovarian cancer; BRCA1- and BRCA2-Associated Hereditary Breast and Ovarian Cancer; Hereditary breast and ovarian cancer syndrome; Breast and ovarian cancer. Identifiers: Orphanet 145, MedGen C0677776, MeSH D061325, MONDO:0003582. Disease mechanism: loss of function.

Submission:

Labcorp Genetics (formerly Invitae), Labcorp
Classification: Pathogenic for Hereditary breast ovarian cancer syndrome. Last evaluated: 2018-06-30. Review status: criteria provided, single submitter. Criteria: Invitae Variant Classification Sherloc (09022015). Collection method: clinical testing. Allele origin: germline.
Comment: For these reasons, this variant has been classified as Pathogenic. Loss-of-function variants in BRCA2 are known to be pathogenic (PMID: 20104584). This variant has not been reported in the literature in individuals with BRCA2-related disease. This variant is not present in population databases (ExAC no frequency). This sequence change creates a premature translational stop signal (p.Leu2654Alafs*9) in the BRCA2 gene. It is expected to result in an absent or disrupted protein product.

Literature cited by the submitters: PubMed 20104584.